The following is an entry in ClinVar:

NM_015340.4(LARS2):c.726T>G (p.Phe242Leu)

Gene: LARS2 (leucyl-tRNA synthetase 2, mitochondrial; plus strand). Cytogenetic location: 3p21.31.
Variant type: single nucleotide variant.
Coding change: c.726T>G on transcript NM_015340.4 (MANE Select); coding-DNA position 726, T replaced by G.
Protein change: p.Phe242Leu; replaces phenylalanine 242 with leucine.
Molecular consequence: missense variant.
Genome position (GRCh38, 1-based): chr3:45,458,862, T>G. VCF-style: chr3-45458862-T-G. GRCh37 (hg19) VCF-style: chr3-45500354-T-G.
Other names: c.726T>G, p.Phe242Leu (NM_001368263.1); c.726T>G (NM_015340.3); short protein forms F242L.
Identifiers: ClinVar variation 1387240 (VCV001387240.8), dbSNP rs2125710420, ClinGen allele CA352422548.

ClinVar aggregate classification (germline): Uncertain significance. Review status: criteria provided, multiple submitters, no conflicts (2 of 4 stars). 3 submissions from 3 submitters: Uncertain significance (3). Last evaluated 2024-07-12.

Submissions (3):

GeneDx
Classification: Uncertain significance. Last evaluated: 2024-07-12. Review status: criteria provided, single submitter. Criteria: GeneDx Variant Classification Process June 2021. Collection method: clinical testing. Allele origin: germline. Affected: yes.
Comment: Not observed at significant frequency in large population cohorts (gnomAD); In silico analysis supports that this missense variant has a deleterious effect on protein structure/function; Has not been previously published as pathogenic or benign to our knowledge

Blueprint Genetics
Classification: Uncertain significance. Last evaluated: 2022-12-06. Review status: criteria provided, single submitter. Criteria: ACMG Guidelines, 2015. Collection method: clinical testing. Allele origin: germline.

Labcorp Genetics (formerly Invitae), Labcorp
Classification: Uncertain significance. Last evaluated: 2022-09-27. Review status: criteria provided, single submitter. Criteria: Invitae Variant Classification Sherloc (09022015). Collection method: clinical testing. Allele origin: germline.
Comment: In summary, the available evidence is currently insufficient to determine the role of this variant in disease. Therefore, it has been classified as a Variant of Uncertain Significance. Advanced modeling of protein sequence and biophysical properties (such as structural, functional, and spatial information, amino acid conservation, physicochemical variation, residue mobility, and thermodynamic stability) performed at Invitae indicates that this missense variant is not expected to disrupt LARS2 protein function. ClinVar contains an entry for this variant (Variation ID: 1387240). This variant has not been reported in the literature in individuals affected with LARS2-related conditions. This variant is not present in population databases (gnomAD no frequency). This sequence change replaces phenylalanine, which is neutral and non-polar, with leucine, which is neutral and non-polar, at codon 242 of the LARS2 protein (p.Phe242Leu).